The following is an entry in ClinVar:

NM_001792.5(CDH2):c.1021-1G>C

Gene: CDH2 (cadherin 2; minus strand). Cytogenetic location: 18q12.1.
Variant type: single nucleotide variant.
Coding change: c.1021-1G>C on transcript NM_001792.5 (MANE Select); the canonical splice acceptor site of the intron before coding-DNA position 1021, G replaced by C.
Molecular consequence: splice acceptor variant.
Genome position (GRCh38, 1-based): chr18:27,993,638, C>G on the plus strand (G>C on the coding strand, the complement: CDH2 is on the minus strand). VCF-style: chr18-27993638-C-G. GRCh37 (hg19) VCF-style: chr18-25573602-C-G.
Other names: c.928-1G>C (NM_001308176.2).
Identifiers: ClinVar variation 4726008 (VCV004726008.1).

ClinVar aggregate classification (germline): Uncertain significance (1 of 4 stars; one submission).

Submission:

Labcorp Genetics (formerly Invitae), Labcorp
Classification: Uncertain significance. Last evaluated: 2025-08-25. Review status: criteria provided, single submitter. Criteria: Invitae Variant Classification Sherloc (09022015). Collection method: clinical testing. Allele origin: germline.
Comment: This sequence change affects an acceptor splice site in intron 7 of the CDH2 gene. It is expected to disrupt RNA splicing. Variants that disrupt the donor or acceptor splice site typically lead to a loss of protein function (PMID: 16199547), however the current clinical and genetic evidence is not sufficient to establish whether loss-of-function variants in CDH2 cause disease. This variant is not present in population databases (gnomAD no frequency). This variant has not been reported in the literature in individuals affected with CDH2-related conditions. Algorithms developed to predict the effect of sequence changes on RNA splicing suggest that this variant may disrupt the consensus splice site. In summary, the available evidence is currently insufficient to determine the role of this variant in disease. Therefore, it has been classified as a Variant of Uncertain Significance.

Literature cited by the submitters: PubMed 16199547.